The following is an entry in ClinVar:

ClinVar aggregate classification (germline): Uncertain significance (1 of 4 stars; one submission).

gnomAD v4.1: 5 of 1,600,986 alleles (0.00031%); highest among the groups gnomAD compares: African/African-American, 0.0067%; no homozygotes.

Submission:

Mayo Clinic Laboratories, Mayo Clinic
Classification: Uncertain significance. Last evaluated: 2023-06-30. Review status: criteria provided, single submitter. Criteria: ACMG Guidelines, 2015. Collection method: clinical testing. Allele origin: germline. Observed: 1 variant allele.
Comment: PP3, PM2_moderate

NM_001040716.2(PC):c.1997C>T (p.Ala666Val)

Gene: PC (pyruvate carboxylase; minus strand). Cytogenetic location: 11q13.2.
Variant type: single nucleotide variant.
Coding change: c.1997C>T on transcript NM_001040716.2 (MANE Select); coding-DNA position 1997, C replaced by T.
Protein change: p.Ala666Val; replaces alanine 666 with valine.
Molecular consequence: missense variant.
Genome position (GRCh38, 1-based): chr11:66,851,266, G>A on the plus strand (C>T on the coding strand, the complement: PC is on the minus strand). VCF-style: chr11-66851266-G-A. GRCh37 (hg19) VCF-style: chr11-66618737-G-A.
Other names: p.Ala666Val; c.1997C>T, p.Ala666Val (NM_000920.4, NM_022172.3); short protein forms A666V.
Identifiers: ClinVar variation 3380032 (VCV003380032.1).